The following is an entry in ClinVar:

NM_000321.3(RB1):c.163C>A (p.Pro55Thr)

Gene: RB1 (RB transcriptional corepressor 1; plus strand). Cytogenetic location: 13q14.2.
Variant type: single nucleotide variant.
Coding change: c.163C>A on transcript NM_000321.3 (MANE Select); coding-DNA position 163, C replaced by A.
Protein change: p.Pro55Thr; replaces proline 55 with threonine.
Molecular consequence: missense variant.
Genome position (GRCh38, 1-based): chr13:48,307,305, C>A. VCF-style: chr13-48307305-C-A. GRCh37 (hg19) VCF-style: chr13-48881441-C-A.
Other names: c.163C>A, p.Pro55Thr (NM_001407165.1, NM_001407166.1, NM_001407167.1); short protein forms P55T.
Identifiers: ClinVar variation 2071632 (VCV002071632.6), dbSNP rs769618862, ClinGen allele CA029236.
Genomic context (GRCh38, chr13:48,307,305, plus strand): 5'-TATATGCCAATTATATGATTATTTTCATTTGGTAGGCTTGAGTTTGAAGAAACAGAAGAA[C>A]CTGATTTTACTGCATTATGTCAGAAATTAAAGATACCAGATCATGTCAGAGAGAGAGCTT-3'
Protein context (NP_000312.2, residues 45-65): VRLEFEETEE[Pro55Thr]DFTALCQKLK

ClinVar aggregate classification (germline): Conflicting classifications of pathogenicity. Review status: criteria provided, conflicting classifications (1 of 4 stars). 3 submissions from 3 submitters: Uncertain significance (2); Likely benign (1). Last evaluated 2025-09-10.

Conditions:
Hereditary cancer-predisposing syndrome. Also called: Neoplastic Syndromes, Hereditary; Hereditary Cancer Syndrome; Tumor predisposition; Hereditary neoplastic syndrome. Identifiers: Orphanet 140162, MedGen C0027672, MeSH D009386, MONDO:0015356.
Retinoblastoma (RB1). Also called: RETINOBLASTOMA, SOMATIC. Identifiers: Orphanet 790, MedGen C0035335, MeSH D012175, MONDO:0008380, OMIM 180200, HP:0009919. Disease mechanism: loss of function. Inheritance: Both sporadic and heritable forms are tested..

Allele frequency attached by ClinVar (database versions not stated): ExAC 0.00003.
gnomAD v4.1: 4 of 1,609,022 alleles (0.00025%); highest among the groups gnomAD compares: Non-Finnish European, 0.00034%; no homozygotes.

Submissions (3):

Color Diagnostics, LLC DBA Color Health
Classification: Uncertain significance for Retinoblastoma. Last evaluated: 2025-09-10. Review status: criteria provided, single submitter. Criteria: ACMG Guidelines, 2015. Collection method: clinical testing. Allele origin: germline.
Comment: This missense variant replaces proline with threonine at codon 55 of the RB1 protein. Computational prediction suggests that this variant may not impact protein structure and function. To our knowledge, functional studies have not been reported for this variant. This variant has not been reported in individuals affected with RB1-related disorders in the literature. This variant has been identified in 5/251238 chromosomes in the general population by the Genome Aggregation Database (gnomAD). The available evidence is insufficient to determine the role of this variant in disease conclusively. Therefore, this variant is classified as a Variant of Uncertain Significance.

Ambry Genetics
Classification: Likely benign for Hereditary cancer-predisposing syndrome. Last evaluated: 2023-11-28. Review status: criteria provided, single submitter. Criteria: Ambry Variant Classification Scheme 2023. Collection method: clinical testing. Allele origin: germline.

Labcorp Genetics (formerly Invitae), Labcorp
Classification: Uncertain significance for Retinoblastoma. Last evaluated: 2022-05-21. Review status: criteria provided, single submitter. Criteria: Invitae Variant Classification Sherloc (09022015). Collection method: clinical testing. Allele origin: germline.
Comment: In summary, the available evidence is currently insufficient to determine the role of this variant in disease. Therefore, it has been classified as a Variant of Uncertain Significance. Algorithms developed to predict the effect of missense changes on protein structure and function are either unavailable or do not agree on the potential impact of this missense change (SIFT: "Deleterious"; PolyPhen-2: "Benign"; Align-GVGD: "Class C0"). This variant has not been reported in the literature in individuals affected with RB1-related conditions. This variant is present in population databases (rs769618862, gnomAD 0.004%). This sequence change replaces proline, which is neutral and non-polar, with threonine, which is neutral and polar, at codon 55 of the RB1 protein (p.Pro55Thr).